The following is an entry in ClinVar:

NM_024408.4(NOTCH2):c.2479+149C>G

Gene: NOTCH2 (notch receptor 2; minus strand). Cytogenetic location: 1p12.
Variant type: single nucleotide variant.
Coding change: c.2479+149C>G on transcript NM_024408.4 (MANE Select); 149 bases into the intron after coding-DNA position 2479, C replaced by G.
Molecular consequence: intron variant.
Genome position (GRCh38, 1-based): chr1:119,950,575, G>C on the plus strand (C>G on the coding strand, the complement: NOTCH2 is on the minus strand). VCF-style: chr1-119950575-G-C. GRCh37 (hg19) VCF-style: chr1-120493198-G-C.
Other names: c.2479+149C>G (NM_001200001.2).
Identifiers: ClinVar variation 133369 (VCV000133369.1), dbSNP rs782240220, ClinGen allele CA156459.

ClinVar aggregate classification (germline): not provided (0 of 4 stars; one submission).

Allele frequency attached by ClinVar (database versions not stated): ExAC below 0.00001; gnomAD 0.00001; gnomAD exomes 0.00001 and 0.00002; TOPMed 0.00002.
gnomAD v4.1: 15 of 718,230 alleles (0.0021%); highest among the groups gnomAD compares: Middle Eastern, 0.046%; no homozygotes.

Submission:

ITMI
No classification provided. Condition: AllHighlyPenetrant. Last evaluated: 2013-09-19. Review status: no classification provided. Collection method: reference population. Allele origin: germline.
Comment: Please see associated publication for description of ethnicities

Literature cited by the submitters: PubMed 24728327.